The following is an entry in ClinVar:

NM_005859.5(PURA):c.160C>T (p.Leu54=)

Gene: PURA (purine rich element binding protein A; plus strand). Cytogenetic location: 5q31.3.
Variant type: single nucleotide variant.
Coding change: c.160C>T on transcript NM_005859.5 (MANE Select); coding-DNA position 160, C replaced by T.
Protein change: p.Leu54=; no amino-acid change (leucine 54 retained).
Molecular consequence: synonymous variant.
Genome position (GRCh38, 1-based): chr5:140,114,341, C>T. VCF-style: chr5-140114341-C-T. GRCh37 (hg19) VCF-style: chr5-139493926-C-T.
Other names: p.Leu54=.
Identifiers: ClinVar variation 2984925 (VCV002984925.5), dbSNP rs1182730652, ClinGen allele CA446758896.

ClinVar aggregate classification (germline): Likely benign. Review status: criteria provided, multiple submitters, no conflicts (2 of 4 stars). 3 submissions from 3 submitters: Likely benign (3). Last evaluated 2025-03-20.

Conditions:
PURA-related severe neonatal hypotonia-seizures-encephalopathy syndrome (NEDRIHF). Also called: NEURODEVELOPMENTAL DISORDER WITH NEONATAL RESPIRATORY INSUFFICIENCY, HYPOTONIA, AND FEEDING DIFFICULTIES; PURA-Related Neurodevelopmental Disorders. Identifiers: Orphanet 438213, Orphanet 438216, MedGen C4015357, MONDO:1060108, OMIM 616158, MONDO:0018580.

Allele frequency attached by ClinVar (database versions not stated): TOPMed below 0.00001; gnomAD 0.00001; gnomAD exomes 0.00001.
gnomAD v4.1: 9 of 1,546,490 alleles (0.00058%); highest among the groups gnomAD compares: Non-Finnish European, 0.00078%; no homozygotes.

Submissions (3):

Mayo Clinic Laboratories, Mayo Clinic
Classification: Likely benign. Last evaluated: 2025-03-20. Review status: criteria provided, single submitter. Criteria: ACMG Guidelines, 2015. Collection method: clinical testing. Allele origin: germline. Observed: 1 variant allele.
Comment: BS2, BP4, BP7

Women's Health and Genetics/Laboratory Corporation of America, LabCorp
Classification: Likely benign. Last evaluated: 2024-07-24. Review status: criteria provided, single submitter. Criteria: LabCorp Variant Classification Summary - May 2015. Collection method: clinical testing. Allele origin: germline.
Comment: Variant summary: PURA c.160C>T alters a conserved nucleotide resulting in a synonymous change. Consensus agreement among computation tools predict no significant impact on normal splicing. However, these predictions have yet to be confirmed by functional studies. The frequency data for this variant in gnomAD is considered unreliable, as metrics indicate poor data quality at this position. To our knowledge, no occurrence of c.160C>T in individuals affected with Mental Retardation, Autosomal Dominant 31 and no experimental evidence demonstrating its impact on protein function have been reported. ClinVar contains an entry for this variant (Variation ID: 2984925). Based on the evidence outlined above, the variant was classified as likely benign.

Labcorp Genetics (formerly Invitae), Labcorp
Classification: Likely benign for PURA-related severe neonatal hypotonia-seizures-encephalopathy syndrome. Last evaluated: 2023-11-06. Review status: criteria provided, single submitter. Criteria: Invitae Variant Classification Sherloc (09022015). Collection method: clinical testing. Allele origin: germline.